The following is an entry in ClinVar:

ClinVar aggregate classification (germline): Uncertain significance (1 of 4 stars; one submission).

Submission:

Institute for Human Genetics, University Hospital Essen
Classification: Uncertain significance. Last evaluated: 2025-11-27. Review status: criteria provided, single submitter. Criteria: Submitter's publication. Collection method: clinical testing. Allele origin: inherited. Inheritance: Autosomal unknown. Affected: yes. Observed: 1 variant allele, 1 compound heterozygote.
Comment: PM1_supp, PM3 (criteria rationale detailed in Leitão et al. Nature Genetics 2026)

NR_199791.1(RNU2-2):n.157G>A

Genes: RNU2-2 (RNA, U2 small nuclear 2; minus strand), WDR74 (WD repeat domain 74; minus strand). Cytogenetic location: 11q12.3.
Variant type: single nucleotide variant.
Molecular consequence: non-coding transcript variant (on NR_199791.1). On other transcripts: 5 prime UTR variant (1).
Genome position: GRCh38 VCF-style: chr11-62841653-C-T. GRCh37 (hg19) VCF-style: chr11-62609125-C-T.
Other names: c.-382G>A (NM_001369451.1).
Identifiers: ClinVar variation 4540535 (VCV004540535.1).